The following is an entry in ClinVar:

NM_003200.5(TCF3):c.144A>C (p.Ser48=)

Gene: TCF3 (transcription factor 3; minus strand). Cytogenetic location: 19p13.3.
Variant type: single nucleotide variant.
Coding change: c.144A>C on transcript NM_003200.5 (MANE Select); coding-DNA position 144, A replaced by C.
Protein change: p.Ser48=; no amino-acid change (serine 48 retained).
Molecular consequence: synonymous variant.
Genome position (GRCh38, 1-based): chr19:1,646,356, T>G on the plus strand (A>C on the coding strand, the complement: TCF3 is on the minus strand). VCF-style: chr19-1646356-T-G. GRCh37 (hg19) VCF-style: chr19-1646355-T-G.
Other names: c.144A>C, p.Ser48= (NM_001136139.4, NM_001351778.2, NM_001351779.2).
Identifiers: ClinVar variation 4809776 (VCV004809776.1).

ClinVar aggregate classification (germline): Uncertain significance (1 of 4 stars; one submission).

Submission:

Labcorp Genetics (formerly Invitae), Labcorp
Classification: Uncertain significance. Last evaluated: 2025-09-30. Review status: criteria provided, single submitter. Criteria: Invitae Variant Classification Sherloc (09022015). Collection method: clinical testing. Allele origin: germline.
Comment: This sequence change affects codon 48 of the TCF3 mRNA. It is a 'silent' change, meaning that it does not change the encoded amino acid sequence of the TCF3 protein. It affects a nucleotide within the consensus splice site. This variant is not present in population databases (gnomAD no frequency). This variant has not been reported in the literature in individuals affected with TCF3-related conditions. Algorithms developed to predict the effect of sequence changes on RNA splicing suggest that this variant may disrupt the consensus splice site. In summary, the available evidence is currently insufficient to determine the role of this variant in disease. Therefore, it has been classified as a Variant of Uncertain Significance.